The following is an entry in ClinVar:

ClinVar aggregate classification (germline): Uncertain significance (1 of 4 stars; one submission).

Conditions:
Gamma-aminobutyric acid transaminase deficiency (GABATD). Also called: GABA transaminase deficiency; Gamma aminobutyrate transaminase deficiency; 4 alpha aminobutyrate transaminase deficiency; GABA aminotransaminase deficiency. Identifiers: Orphanet 2066, MedGen C0342708, MONDO:0013166, OMIM 613163.

Allele frequency attached by ClinVar (database versions not stated): gnomAD exomes below 0.00001.
gnomAD v4.1: 1 of 1,614,216 alleles (0.000062%); highest among the groups gnomAD compares: Non-Finnish European, 0.000085%; no homozygotes.

Submission:

Labcorp Genetics (formerly Invitae), Labcorp
Classification: Uncertain significance for Gamma-aminobutyric acid transaminase deficiency. Last evaluated: 2021-08-05. Review status: criteria provided, single submitter. Criteria: Invitae Variant Classification Sherloc (09022015). Collection method: clinical testing. Allele origin: germline.
Comment: This sequence change replaces histidine with tyrosine at codon 343 of the ABAT protein (p.His343Tyr). The histidine residue is highly conserved and there is a moderate physicochemical difference between histidine and tyrosine. In summary, the available evidence is currently insufficient to determine the role of this variant in disease. Therefore, it has been classified as a Variant of Uncertain Significance. Algorithms developed to predict the effect of missense changes on protein structure and function (SIFT, PolyPhen-2, Align-GVGD) all suggest that this variant is likely to be tolerated. This variant has not been reported in the literature in individuals affected with ABAT-related conditions. This variant is not present in population databases (ExAC no frequency).

NM_020686.6(ABAT):c.1027C>T (p.His343Tyr)

Gene: ABAT (4-aminobutyrate aminotransferase; plus strand). Cytogenetic location: 16p13.2.
Variant type: single nucleotide variant.
Coding change: c.1027C>T on transcript NM_020686.6 (MANE Select); coding-DNA position 1027, C replaced by T.
Protein change: p.His343Tyr; replaces histidine 343 with tyrosine.
Molecular consequence: missense variant.
Genome position (GRCh38, 1-based): chr16:8,774,962, C>T. VCF-style: chr16-8774962-C-T. GRCh37 (hg19) VCF-style: chr16-8868819-C-T.
Other names: c.1027C>T, p.His343Tyr (NM_000663.5, NM_001127448.2, NM_001386600.1 and 6 more transcripts); c.988C>T, p.His330Tyr (NM_001386605.1); c.964C>T, p.His322Tyr (NM_001386606.1, NM_001386607.1); c.934C>T, p.His312Tyr (NM_001386608.1); c.892C>T, p.His298Tyr (NM_001386610.1, NM_001386611.1); c.829C>T, p.His277Tyr (NM_001386612.1, NM_001386613.1); c.781C>T, p.His261Tyr (NM_001386614.1); c.1123C>T, p.His375Tyr (NM_001386615.1); short protein forms H298Y, H343Y, H312Y, H261Y, H277Y, H322Y, H330Y, H375Y.
Identifiers: ClinVar variation 1420612 (VCV001420612.8), dbSNP rs1280175936, ClinGen allele CA394689896.
Genomic context (GRCh38, chr16:8,774,962, plus strand): 5'-TTCTTGGTGGACGAGGTCCAGACCGGAGGAGGCTGCACGGGCAAGTTCTGGGCCCATGAG[C>T]ACTGGGGCCTGGATGACCCAGCAGACGTGATGACCTTCAGCAAGAAGATGATGACTGGGG-3'
Protein context (NP_065737.2, residues 333-353): GCTGKFWAHE[His343Tyr]WGLDDPADVM